The following is an entry in ClinVar:

ClinVar aggregate classification (germline): Likely benign (1 of 4 stars; one submission).

Submission:

GeneDx
Classification: Likely benign. Last evaluated: 2017-12-07. Review status: criteria provided, single submitter. Criteria: GeneDx Variant Classification (06012015). Collection method: clinical testing. Allele origin: germline. Affected: yes.
Comment: This variant is considered likely benign or benign based on one or more of the following criteria: it is a conservative change, it occurs at a poorly conserved position in the protein, it is predicted to be benign by multiple in silico algorithms, and/or has population frequency not consistent with disease.

NM_002397.5(MEF2C):c.-143+11C>T

Gene: MEF2C (myocyte enhancer factor 2C; minus strand). Cytogenetic location: 5q14.3.
Variant type: single nucleotide variant.
Coding change: c.-143+11C>T on transcript NM_002397.5 (MANE Select); 11 bases into the intron after 143 bases upstream of the start codon, C replaced by T.
Molecular consequence: intron variant.
Genome position (GRCh38, 1-based): chr5:88,882,944, G>A on the plus strand (C>T on the coding strand, the complement: MEF2C is on the minus strand). VCF-style: chr5-88882944-G-A. GRCh37 (hg19) VCF-style: chr5-88178761-G-A.
Other names: c.-140+4558C>T (NM_001364329.2, NM_001364334.2); c.-143+4558C>T (NM_001364330.2, NM_001131005.2, NM_001193347.1); c.-140+11C>T (NM_001364333.2, NM_001193350.2, NM_001364354.2 and 8 more transcripts); c.-143+11C>T (NM_001364344.2, NM_001308002.3, NM_001364355.2 and 5 more transcripts); c.-239+11C>T (NM_001364331.2); c.-143+1545C>T (NM_001364345.2, NM_001364335.2).
Identifiers: ClinVar variation 513780 (VCV000513780.1), dbSNP rs1554055657, ClinGen allele CA658796546.